The following is an entry in ClinVar:

ClinVar aggregate classification (germline): Uncertain significance (1 of 4 stars; one submission).

Conditions:
Leukoencephalopathy with vanishing white matter 4 (VWM4). Also called: Leukoencephalopathy with vanishing white matter 4, with or without ovarian failure; EIF2B4-Related Childhood Ataxia with Central Nervous System Hypomyelination/Vanishing White Matter. Identifiers: MedGen C5830406, MONDO:0957872, OMIM 620314.

Submission:

3billion
Classification: Uncertain significance for Leukoencephalopathy with vanishing white matter 4. Last evaluated: 2026-01-13. Review status: criteria provided, single submitter. Criteria: ACMG Guidelines, 2015. Collection method: clinical testing. Allele origin: germline. Affected: yes.
Comment: The variant is not observed in the gnomAD v4.1.0 dataset. Predicted Consequence/Location: Missense variant In silico tool predictions suggest damaging effect of the variant on gene or gene product [REVEL: 0.92 (>=0.6, sensitivity 0.68 and specificity 0.92)]. Therefore, this variant is classified as VUS according to the recommendation of ACMG/AMP guideline.

NM_001034116.2(EIF2B4):c.1511T>C (p.Leu504Pro)

Genes: EIF2B4 (eukaryotic translation initiation factor 2B subunit delta; minus strand), GTF3C2-AS2 (GTF3C2 antisense RNA 2; plus strand). Cytogenetic location: 2p23.3.
Variant type: single nucleotide variant.
Coding change: c.1511T>C on transcript NM_001034116.2 (MANE Select); coding-DNA position 1511, T replaced by C.
Protein change: p.Leu504Pro; replaces leucine 504 with proline.
Molecular consequence: missense variant.
Genome position (GRCh38, 1-based): chr2:27,364,461, A>G on the plus strand (T>C on the coding strand, the complement: EIF2B4 is on the minus strand). VCF-style: chr2-27364461-A-G. GRCh37 (hg19) VCF-style: chr2-27587328-A-G.
Other names: c.1574T>C, p.Leu525Pro (NM_001318965.2); c.1466T>C, p.Leu489Pro (NM_001318966.2); c.1418T>C, p.Leu473Pro (NM_001318967.2); c.926T>C, p.Leu309Pro (NM_001318968.2); c.893T>C, p.Leu298Pro (NM_001318969.2); c.1508T>C, p.Leu503Pro (NM_015636.4); c.1571T>C, p.Leu524Pro (NM_172195.4); short protein forms L298P, L309P, L473P, L489P, L503P, L504P, L524P, L525P.
Identifiers: ClinVar variation 4854851 (VCV004854851.1).
Genomic context (GRCh38, chr2:27,364,461, plus strand): 5'-CACTGGTCACTGCTCTTGACTCGTAGAACAACAGGTACAGAACTGCAAGGGATCATCCCC[A>G]GCTCCGTGATCACCAGATCCACAAGCTCTGGGGGAGTCACATCATAGACTAGATTCAACA-3'
Protein context (NP_001029288.1, residues 494-514): PELVDLVITE[Leu504Pro]GMIPCSSVPV